The following is an entry in ClinVar:

NM_030928.4(CDT1):c.1161_1170dup (p.Ser391fs)

Gene: CDT1 (chromatin licensing and DNA replication factor 1; plus strand). Cytogenetic location: 16q24.3.
Variant type: Duplication.
Coding change: c.1161_1170dup on transcript NM_030928.4 (MANE Select); coding-DNA positions 1161 to 1170, 10 bases duplicated (TGCGCCCAGC; older notation c.1161_1170dupTGCGCCCAGC).
Protein change: p.Ser391fs; shifts the reading frame from serine 391.
Molecular consequence: frameshift variant.
Genome position (GRCh38, 1-based): chr16:88,807,089-88,807,098, TGCGCCCAGC duplicated; duplicating any 10 consecutive bases within chr16:88,807,087-88,807,098 gives the same sequence; the c. name uses the placement nearest the transcript's 3' end. VCF-style (leftmost placement, unchanged base first): chr16-88807086-T-TGCTGCGCCCA. GRCh37 (hg19) VCF-style: chr16-88873494-T-TGCTGCGCCCA.
Other names: short protein forms S391fs.
Identifiers: ClinVar variation 3724962 (VCV003724962.2).

ClinVar aggregate classification (germline): Pathogenic (1 of 4 stars; one submission).

Submission:

Labcorp Genetics (formerly Invitae), Labcorp
Classification: Pathogenic. Last evaluated: 2024-11-10. Review status: criteria provided, single submitter. Criteria: Invitae Variant Classification Sherloc (09022015). Collection method: clinical testing. Allele origin: germline.
Comment: This sequence change creates a premature translational stop signal (p.Ser391Cysfs*69) in the CDT1 gene. It is expected to result in an absent or disrupted protein product. Loss-of-function variants in CDT1 are known to be pathogenic (PMID: 21358632, 22333897). This variant is not present in population databases (gnomAD no frequency). This variant has not been reported in the literature in individuals affected with CDT1-related conditions. For these reasons, this variant has been classified as Pathogenic.

Literature cited by the submitters: PubMed 21358632; PubMed 22333897.